The following is an entry in ClinVar:

ClinVar aggregate classification (germline): Likely benign (1 of 4 stars; one submission).

Allele frequency attached by ClinVar (database versions not stated): gnomAD below 0.00001 and 0.00004; TOPMed 0.00001; ExAC 0.00011; gnomAD exomes 0.00014; 1000 Genomes Project 30x 0.00031.
gnomAD v4.1: 82 of 1,567,756 alleles (0.0052%); highest among the groups gnomAD compares: South Asian, 0.085%; no homozygotes.

Submission:

GeneDx
Classification: Likely benign. Last evaluated: 2017-08-31. Review status: criteria provided, single submitter. Criteria: GeneDx Variant Classification (06012015). Collection method: clinical testing. Allele origin: germline. Affected: yes.
Comment: This variant is considered likely benign or benign based on one or more of the following criteria: it is a conservative change, it occurs at a poorly conserved position in the protein, it is predicted to be benign by multiple in silico algorithms, and/or has population frequency not consistent with disease.

NM_001378969.1(KCND3):c.-47G>C

Gene: KCND3 (potassium voltage-gated channel subfamily D member 3; minus strand). Cytogenetic location: 1p13.2.
Variant type: single nucleotide variant.
Coding change: c.-47G>C on transcript NM_001378969.1 (MANE Select); 47 bases upstream of the start codon, G replaced by C.
Molecular consequence: 5 prime UTR variant.
Genome position (GRCh38, 1-based): chr1:111,982,773, C>G on the plus strand (G>C on the coding strand, the complement: KCND3 is on the minus strand). VCF-style: chr1-111982773-C-G. GRCh37 (hg19) VCF-style: chr1-112525395-C-G.
Other names: c.-47G>C (NM_001378970.1, NM_004980.5, NM_172198.3).
Identifiers: ClinVar variation 511770 (VCV000511770.1), dbSNP rs776077160, ClinGen allele CA1007681.
Genomic context (GRCh38, chr1:111,982,773, plus strand): 5'-ACTCCGGCCGCCATGGTGACTCCAGCTCTTGGGCCGGCAGCCGCGCGGACGCTAGGCACA[C>G]CAGCTTGGAGTTAGTTCAGCAAACCCTGGGAGACAGGAGGGGAGAGAGAGAAGCGGTGAG-3'